The following is an entry in ClinVar:

ClinVar aggregate classification (germline): Uncertain significance (1 of 4 stars; one submission).

Submission:

Ambry Genetics
Classification: Uncertain significance. Last evaluated: 2023-09-27. Review status: criteria provided, single submitter. Criteria: Ambry Variant Classification Scheme 2023. Collection method: clinical testing. Allele origin: germline.
Comment: The p.N194K variant (also known as c.582T>A), located in coding exon 1 of the PALLD gene, results from a T to A substitution at nucleotide position 582. The asparagine at codon 194 is replaced by lysine, an amino acid with similar properties. This amino acid position is conserved. In addition, this alteration is predicted to be tolerated by in silico analysis. Since supporting evidence is limited at this time, the clinical significance of this alteration remains unclear.

NM_001166108.2(PALLD):c.582T>A (p.Asn194Lys)

Gene: PALLD (palladin, cytoskeletal associated protein; plus strand). Cytogenetic location: 4q32.3.
Variant type: single nucleotide variant.
Coding change: c.582T>A on transcript NM_001166108.2 (MANE Select); coding-DNA position 582, T replaced by A.
Protein change: p.Asn194Lys; replaces asparagine 194 with lysine.
Molecular consequence: missense variant.
Genome position (GRCh38, 1-based): chr4:168,512,086, T>A. VCF-style: chr4-168512086-T-A. GRCh37 (hg19) VCF-style: chr4-169433237-T-A.
Other names: c.582T>A, p.Asn194Lys (NM_016081.4); short protein forms N194K.
Identifiers: ClinVar variation 3226828 (VCV003226828.1), dbSNP rs2531434163, ClinGen allele CA358726335.